The following is an entry in ClinVar:

ClinVar aggregate classification (germline): Uncertain significance (1 of 4 stars; one submission).

Submission:

Ambry Genetics
Classification: Uncertain significance. Last evaluated: 2023-06-13. Review status: criteria provided, single submitter. Criteria: Ambry Variant Classification Scheme 2023. Collection method: clinical testing. Allele origin: germline.
Comment: The c.85dupA variant, located in coding exon 2 of the RECQL gene, results from a duplication of A at nucleotide position 85, causing a translational frameshift with a predicted alternate stop codon (p.T29Nfs*26). This alteration is expected to result in loss of function by premature protein truncation or nonsense-mediated mRNA decay. The evidence for this gene-disease relationship is limited; therefore, the clinical significance of this alteration is unclear.

NM_002907.4(RECQL):c.85dup (p.Thr29fs)

Gene: RECQL (RecQ like helicase; minus strand). Cytogenetic location: 12p12.1.
Variant type: Duplication.
Coding change: c.85dup on transcript NM_002907.4 (MANE Select); coding-DNA position 85, one base duplicated (A; older notation c.85dupA).
Protein change: p.Thr29fs; shifts the reading frame from threonine 29.
Molecular consequence: frameshift variant.
Genome position (GRCh38, 1-based): chr12:21,491,648, T duplicated on the plus strand (A on the coding strand, the reverse complement: RECQL is on the minus strand). VCF-style (leftmost placement, unchanged base first): chr12-21491647-G-GT. GRCh37 (hg19) VCF-style: chr12-21644581-G-GT.
Other names: c.85dup, p.Thr29fs (NM_032941.3); short protein forms T29fs.
Identifiers: ClinVar variation 2562126 (VCV002562126.2), dbSNP rs2540405521, ClinGen allele CA2575097813.
Genomic context (GRCh38, chr12:21,491,647, plus strand): 5'-CACTGCTTTATTTTCTTTGTCAGGACTTTTTTTTTCTGAATAAGCTCTTGTTGCCTTTCC[G>GT]TAAGTTCTTGAATTTGAATTTCTACTGCATGTAGCTCACTGGTTATAGAATCCAGTTCCT-3'